The following is an entry in ClinVar:

NM_018486.3(HDAC8):c.629-1G>A

Gene: HDAC8 (histone deacetylase 8; minus strand). Cytogenetic location: Xq13.1.
Variant type: single nucleotide variant.
Coding change: c.629-1G>A on transcript NM_018486.3 (MANE Select); the canonical splice acceptor site of the intron before coding-DNA position 629, G replaced by A.
Molecular consequence: splice acceptor variant. On other transcripts: intron variant (1).
Genome position (GRCh38, 1-based): chrX:72,489,042, C>T on the plus strand (G>A on the coding strand, the complement: HDAC8 is on the minus strand). VCF-style: chrX-72489042-C-T. GRCh37 (hg19) VCF-style: chrX-71708892-C-T.
Other names: c.356-1G>A (NM_001166418.2, NM_001410728.1); c.438-24311G>A (NM_001441234.1); c.551-1G>A (NM_001410727.1, NM_001410730.1); c.629-1G>A (NM_001410725.1, NM_001410729.1, NM_001166419.2); c.278-1G>A (NM_001166448.2).
Identifiers: ClinVar variation 4621400 (VCV004621400.1).
Genomic context (GRCh38, chrX:72,489,042, plus strand): 5'-GCACATTTACACTGTAGTACCGTCCCTTCCCTAGGCCAACATCAGACACGTCACCTGTTC[C>T]TATAAAAGAGAAGAGCACTATGATCAGTTATTAGGAACATGAGAACCCAGAAAACTTAAA-3'

ClinVar aggregate classification (germline): Likely pathogenic (1 of 4 stars; one submission).

Conditions:
Inborn genetic diseases. Identifiers: MedGen C0950123, MeSH D030342.

Submission:

Ambry Genetics
Classification: Likely pathogenic for Inborn genetic diseases. Last evaluated: 2025-09-25. Review status: criteria provided, single submitter. Criteria: Ambry Variant Classification Scheme 2023. Collection method: clinical testing. Allele origin: germline.
Comment: The c.629-1G>A intronic variant consists of a G to A substitution one nucleotide before exon 7 (coding exon 7) of the HDAC8 gene. Alterations that disrupt the canonical splice site are expected to result in aberrant splicing. A resulting transcript is predicted to be in-frame and is not expected to trigger nonsense-mediated mRNAdecay, although direct evidence is unavailable. However, the region predicted to be impacted is critical for protein function (Ambry internal data). This variant was not reported in population-based cohorts in the Genome Aggregation Database (gnomAD). This nucleotide position is highly conserved in available vertebrate species. In silico splice site analysis predicts that this alteration will weaken the native splice acceptor site and will result in the creation or strengthening of a novel splice acceptor site. Based on the available evidence, this alteration is classified as likely pathogenic.